The following is an entry in ClinVar:

ClinVar aggregate classification (germline): Uncertain significance. Review status: criteria provided, multiple submitters, no conflicts (2 of 4 stars). 2 submissions from 2 submitters: Uncertain significance (2). Last evaluated 2025-03-15.

Conditions:
Microcephaly, normal intelligence and immunodeficiency (NBS). Also called: IMMUNODEFICIENCY, MICROCEPHALY, AND CHROMOSOMAL INSTABILITY; SEEMANOVA SYNDROME II; Immunodeficiency, microcephaly with normal intelligence; Ataxia telangiectasia variant V1; Nijmegen breakage syndrome; Microcephaly with normal intelligence immunodeficiency and lymphoreticular malignancies. Identifiers: Orphanet 647, MedGen C0398791, MONDO:0009623, OMIM 251260.
Hereditary cancer-predisposing syndrome. Also called: Hereditary neoplastic syndrome; Neoplastic Syndromes, Hereditary; Tumor predisposition; Hereditary Cancer Syndrome. Identifiers: Orphanet 140162, MedGen C0027672, MeSH D009386, MONDO:0015356.

Submissions (2):

Ambry Genetics
Classification: Uncertain significance for Hereditary cancer-predisposing syndrome. Last evaluated: 2025-03-15. Review status: criteria provided, single submitter. Criteria: Ambry Variant Classification Scheme 2023. Collection method: clinical testing. Allele origin: germline.
Comment: The p.R482K variant (also known as c.1445G>A), located in coding exon 11 of the NBN gene, results from a G to A substitution at nucleotide position 1445. The arginine at codon 482 is replaced by lysine, an amino acid with highly similar properties. This amino acid position is conserved. In addition, this alteration is predicted to be tolerated by in silico analysis. Since supporting evidence is limited at this time, the clinical significance of this alteration remains unclear.

Labcorp Genetics (formerly Invitae), Labcorp
Classification: Uncertain significance for Microcephaly, normal intelligence and immunodeficiency. Last evaluated: 2019-12-11. Review status: criteria provided, single submitter. Criteria: Invitae Variant Classification Sherloc (09022015). Collection method: clinical testing. Allele origin: germline.
Comment: This sequence change replaces arginine with lysine at codon 482 of the NBN protein (p.Arg482Lys). The arginine residue is moderately conserved and there is a small physicochemical difference between arginine and lysine. In summary, this variant is a novel missense change that is not predicted to affect protein function. There is no indication that it causes disease, but the available evidence is currently insufficient to prove that conclusively. Therefore, it has been classified as a Variant of Uncertain Significance. Algorithms developed to predict the effect of missense changes on protein structure and function output the following: (SIFT: "Tolerated"; PolyPhen-2: "Benign"; Align-GVGD: "Class C0"). The lysine amino acid residue is also found in multiple mammalian species, suggesting that this missense change does not adversely affect protein function. These predictions have not been confirmed by published functional studies. This variant is not present in population databases (ExAC no frequency) and has not been reported in the literature in individuals with a NBN-related disease.

NM_002485.5(NBN):c.1445G>A (p.Arg482Lys)

Gene: NBN (nibrin; minus strand). Cytogenetic location: 8q21.3.
Variant type: single nucleotide variant.
Coding change: c.1445G>A on transcript NM_002485.5 (MANE Select); coding-DNA position 1445, G replaced by A.
Protein change: p.Arg482Lys; replaces arginine 482 with lysine.
Molecular consequence: missense variant.
Genome position (GRCh38, 1-based): chr8:89,953,644, C>T on the plus strand (G>A on the coding strand, the complement: NBN is on the minus strand). VCF-style: chr8-89953644-C-T. GRCh37 (hg19) VCF-style: chr8-90965872-C-T.
Other names: c.1199G>A, p.Arg400Lys (NM_001024688.3); short protein forms R482K, R400K.
Identifiers: ClinVar variation 411779 (VCV000411779.14), dbSNP rs775451862, ClinGen allele CA16612361.